The following is an entry in ClinVar:

NM_001035.3(RYR2):c.4755C>T (p.Arg1585=)

Gene: RYR2 (ryanodine receptor 2; plus strand). Cytogenetic location: 1q43.
Variant type: single nucleotide variant.
Coding change: c.4755C>T on transcript NM_001035.3 (MANE Select); coding-DNA position 4755, C replaced by T.
Protein change: p.Arg1585=; no amino-acid change (arginine 1585 retained).
Molecular consequence: synonymous variant.
Genome position (GRCh38, 1-based): chr1:237,610,833, C>T. VCF-style: chr1-237610833-C-T. GRCh37 (hg19) VCF-style: chr1-237774133-C-T.
Identifiers: ClinVar variation 740067 (VCV000740067.17), dbSNP rs768562077, ClinGen allele CA086730.

ClinVar aggregate classification (germline): Likely benign. Review status: criteria provided, multiple submitters, no conflicts (2 of 4 stars). 6 submissions from 6 submitters: Likely benign (3). 3 of the submissions do not count toward it. Last evaluated 2025-11-11.

Conditions:
Catecholaminergic polymorphic ventricular tachycardia (CVPT). Also called: Catecholamine-induced polymorphic ventricular tachycardia. Identifiers: Orphanet 3286, MedGen C5574922, MONDO:0017990.
Cardiomyopathy (CMYO). Also called: Cardiomyopathies. Identifiers: Orphanet 167848, MedGen C0878544, MONDO:0004994, HP:0001638. Inheritance: Various modes of inheritance.
Catecholaminergic polymorphic ventricular tachycardia 1. Also called: RYR2-Related Catecholaminergic Polymorphic Ventricular Tachycardia; VENTRICULAR TACHYCARDIA, CATECHOLAMINERGIC POLYMORPHIC, 1, WITH OR WITHOUT ATRIAL DYSFUNCTION AND/OR DILATED CARDIOMYOPATHY; VENTRICULAR TACHYCARDIA, STRESS-INDUCED POLYMORPHIC 1. Identifiers: Orphanet 3286, MedGen C1631597, MONDO:0011484, OMIM 604772.

Allele frequency attached by ClinVar (database versions not stated): ExAC 0.00003; gnomAD 0.00001; gnomAD exomes 0.00001 and 0.00002; TOPMed 0.00001.
gnomAD v4.1: 12 of 1,612,770 alleles (0.00074%); highest among the groups gnomAD compares: South Asian, 0.0033%; no homozygotes.

Submissions (6):

Labcorp Genetics (formerly Invitae), Labcorp
Classification: Likely benign for Catecholaminergic polymorphic ventricular tachycardia 1. Last evaluated: 2025-11-11. Review status: criteria provided, single submitter. Criteria: Invitae Variant Classification Sherloc (09022015). Collection method: clinical testing. Allele origin: germline.

All of Us Research Program, National Institutes of Health
Classification: Likely benign for Catecholaminergic polymorphic ventricular tachycardia. Last evaluated: 2024-01-11. Review status: criteria provided, single submitter. Criteria: ACMG Guidelines, 2015. Collection method: clinical testing. Allele origin: germline. Inheritance: Autosomal dominant inheritance. Observed: 3 variant alleles, 3 heterozygotes.
Comment: This study involves interpretation of variants in research participants for the purpose of population health screening. Participant phenotype was not available at the time of variant classification. Additional details can be found in publication PMID: 35346344, PMCID: PMC8962531

Color Diagnostics, LLC DBA Color Health
Classification: Likely benign for Cardiomyopathy. Last evaluated: 2019-12-23. Review status: criteria provided, single submitter. Criteria: ACMG Guidelines, 2015. Collection method: clinical testing. Allele origin: germline.

Clinical Genetics DNA and cytogenetics Diagnostics Lab, Erasmus MC, Erasmus Medical Center
Classification: Likely benign. Review status: no assertion criteria provided. Collection method: clinical testing. Allele origin: germline. Affected: yes. Study: VKGL Data-share Consensus. Not counted in ClinVar's aggregate classification.

Clinical Genetics, Academic Medical Center
Classification: Benign. Review status: no assertion criteria provided. Collection method: clinical testing. Allele origin: germline. Affected: yes. Study: VKGL Data-share Consensus. Not counted in ClinVar's aggregate classification.

Genome Diagnostics Laboratory, University Medical Center Utrecht
Classification: Likely benign. Review status: no assertion criteria provided. Collection method: clinical testing. Allele origin: germline. Affected: yes. Study: VKGL Data-share Consensus. Not counted in ClinVar's aggregate classification.